The following is an entry in ClinVar:

NM_001211.6(BUB1B):c.1496G>C (p.Cys499Ser)

Gene: BUB1B (BUB1 mitotic checkpoint serine/threonine kinase B; plus strand). Cytogenetic location: 15q15.1.
Variant type: single nucleotide variant.
Coding change: c.1496G>C on transcript NM_001211.6 (MANE Select); coding-DNA position 1496, G replaced by C.
Protein change: p.Cys499Ser; replaces cysteine 499 with serine.
Molecular consequence: missense variant.
Genome position (GRCh38, 1-based): chr15:40,200,338, G>C. VCF-style: chr15-40200338-G-C. GRCh37 (hg19) VCF-style: chr15-40492539-G-C.
Other names: short protein forms C499S.
Identifiers: ClinVar variation 4868015 (VCV004868015.1).

ClinVar aggregate classification (germline): Uncertain significance (1 of 4 stars; one submission).

Conditions:
Inborn genetic diseases. Identifiers: MedGen C0950123, MeSH D030342.

gnomAD v4.1: 1 of 1,613,784 alleles (0.000062%); highest among the groups gnomAD compares: East Asian, 0.0022%; no homozygotes.

Submission:

Ambry Genetics
Classification: Uncertain significance for Inborn genetic diseases. Last evaluated: 2026-05-26. Review status: criteria provided, single submitter. Criteria: Ambry Variant Classification Scheme 2023. Collection method: clinical testing. Allele origin: germline.
Comment: The p.C499S variant (also known as c.1496G>C), located in coding exon 11 of the BUB1B gene, results from a G to C substitution at nucleotide position 1496. The cysteine at codon 499 is replaced by serine, an amino acid with dissimilar properties. This amino acid position is conserved. In addition, this alteration is predicted to be tolerated by in silico analysis. Based on the available evidence, the clinical significance of this variant remains unclear.